The following is an entry in ClinVar:

NM_013254.4(TBK1):c.2066+1del

Gene: TBK1 (TANK binding kinase 1; plus strand). Cytogenetic location: 12q14.2.
Variant type: Deletion.
Coding change: c.2066+1del on transcript NM_013254.4 (MANE Select); the canonical splice donor site of the intron after coding-DNA position 2066, one base deleted (G; older notation c.2066+1delG).
Molecular consequence: splice donor variant.
Genome position (GRCh38, 1-based): chr12:64,497,755, G deleted; the last of 3 consecutive G bases (chr12:64,497,753-64,497,755); deleting any one gives the same sequence. VCF-style (leftmost placement, unchanged base first): chr12-64497752-TG-T. GRCh37 (hg19) VCF-style: chr12-64891532-TG-T.
Other names: p.Gly689Valfs*2.
Identifiers: ClinVar variation 4541733 (VCV004541733.1).

ClinVar aggregate classification (germline): Uncertain significance (1 of 4 stars; one submission).

Submission:

Mayo Clinic Laboratories, Mayo Clinic
Classification: Uncertain significance. Last evaluated: 2025-07-11. Review status: criteria provided, single submitter. Criteria: ACMG Guidelines, 2015. Collection method: clinical testing. Allele origin: germline. Observed: 1 variant allele.
Comment: PM2_supporting, PVS1_moderate